The following is an entry in ClinVar:

ClinVar aggregate classification (germline): Benign/Likely benign. Review status: criteria provided, multiple submitters, no conflicts (2 of 4 stars). 3 submissions from 3 submitters: Benign (1); Likely benign (2). Last evaluated 2025-12-13.

Conditions:
Ataxia-telangiectasia syndrome (AT). Also called: ATAXIA-TELANGIECTASIA, COMPLEMENTATION GROUP A; ATAXIA-TELANGIECTASIA, FRESNO VARIANT; Ataxia-telangiectasia; Ataxia-telangiectasia, complementation group D; AT, COMPLEMENTATION GROUP C; Ataxia-telangiectasia, complementation group E. Identifiers: Orphanet 100, MedGen C0004135, MONDO:0008840, OMIM 208900.
Hereditary cancer-predisposing syndrome. Also called: Neoplastic Syndromes, Hereditary; Tumor predisposition; Hereditary Cancer Syndrome; Hereditary neoplastic syndrome. Identifiers: Orphanet 140162, MedGen C0027672, MeSH D009386, MONDO:0015356.
Familial cancer of breast. Also called: hereditary breast carcinoma; BREAST CANCER, FAMILIAL; Hereditary breast cancer. Identifiers: Orphanet 227535, MedGen C0346153, MONDO:0016419, OMIM 114480. Disease mechanism: loss of function.

Allele frequency attached by ClinVar (database versions not stated): gnomAD exomes below 0.00001; TOPMed below 0.00001; gnomAD 0.00001; 1000 Genomes Project 30x 0.00016; 1000 Genomes Project 0.00020.
gnomAD v4.1: 4 of 1,611,014 alleles (0.00025%); highest among the groups gnomAD compares: African/African-American, 0.004%; no homozygotes.

Submissions (3):

Labcorp Genetics (formerly Invitae), Labcorp
Classification: Likely benign for Ataxia-telangiectasia syndrome. Last evaluated: 2025-12-13. Review status: criteria provided, single submitter. Criteria: Invitae Variant Classification Sherloc (09022015). Collection method: clinical testing. Allele origin: germline.

Myriad Genetics, Inc.
Classification: Benign for Familial cancer of breast. Last evaluated: 2024-04-25. Review status: criteria provided, single submitter. Criteria: Myriad Autosomal Dominant, Autosomal Recessive and X-Linked Classification Criteria (2023). Collection method: clinical testing. Allele origin: unknown.
Comment: This variant is considered benign. This variant is a silent/synonymous amino acid change and it is not expected to impact splicing.

Ambry Genetics
Classification: Likely benign for Hereditary cancer-predisposing syndrome. Last evaluated: 2018-04-04. Review status: criteria provided, single submitter. Criteria: Ambry Variant Classification Scheme 2023. Collection method: clinical testing. Allele origin: germline.

NM_000051.4(ATM):c.1086A>G (p.Arg362=)

Gene: ATM (ATM serine/threonine kinase; plus strand). Cytogenetic location: 11q22.3.
Variant type: single nucleotide variant.
Coding change: c.1086A>G on transcript NM_000051.4 (MANE Select); coding-DNA position 1086, A replaced by G.
Protein change: p.Arg362=; no amino-acid change (arginine 362 retained).
Molecular consequence: synonymous variant.
Genome position (GRCh38, 1-based): chr11:108,248,953, A>G. VCF-style: chr11-108248953-A-G. GRCh37 (hg19) VCF-style: chr11-108119680-A-G.
Other names: c.1086A>G, p.Arg362= (NM_001351834.2).
Identifiers: ClinVar variation 524413 (VCV000524413.11), dbSNP rs142591268, ClinGen allele CA228389686.